The following is an entry in ClinVar:

ClinVar aggregate classification (germline): Likely pathogenic (1 of 4 stars; one submission).

Conditions:
Retinitis pigmentosa 28 (RP28). Identifiers: Orphanet 791, MedGen C1419614, MONDO:0011630, OMIM 606068.

Submission:

Natera, Inc.
Classification: Likely pathogenic for Retinitis pigmentosa type 28. Last evaluated: 2025-03-17. Review status: criteria provided, single submitter. Criteria: Natera Variant Classification Schema (03/2026). Collection method: clinical testing. Allele origin: germline.
Comment: The c.1374dup variant in FAM161A is a frameshift variant predicted to shift the reading frame beginning at codon 459 and leads to a stop codon 10 codons downstream. This variant is expected to result in nonsense mediated decay, truncation, or a dysfunctional protein product. This variant is rare in the general population with a frequency below the threshold expected for the associated phenotype(s). Given the available evidence, this variant is classified as Likely Pathogenic.

NM_001201543.2(FAM161A):c.1374dup (p.Leu459fs)

Gene: FAM161A (FAM161 centrosomal protein A; minus strand). Cytogenetic location: 2p15.
Variant type: Duplication.
Coding change: c.1374dup on transcript NM_001201543.2 (MANE Select); coding-DNA position 1374, one base duplicated (T; older notation c.1374dupT).
Protein change: p.Leu459fs; shifts the reading frame from leucine 459.
Molecular consequence: frameshift variant. On other transcripts: non-coding transcript variant (1).
Genome position (GRCh38, 1-based): chr2:61,839,630, A duplicated on the plus strand (T on the coding strand, the reverse complement: FAM161A is on the minus strand). VCF-style (leftmost placement, unchanged base first): chr2-61839629-G-GA. GRCh37 (hg19) VCF-style: chr2-62066764-G-GA.
Other names: c.1374dup, p.Leu459fs (NM_032180.3); short protein forms L459fs.
Identifiers: ClinVar variation 4067903 (VCV004067903.2).